The following is an entry in ClinVar:

ClinVar aggregate classification (germline): Likely benign. Review status: criteria provided, single submitter (1 of 4 stars). 2 submissions from 2 submitters: Likely benign (1). 1 of the submissions does not count toward it. Last evaluated 2023-02-21.

Allele frequency attached by ClinVar (database versions not stated): gnomAD exomes below 0.00001.
gnomAD v4.1: 4 of 1,613,970 alleles (0.00025%); highest among the groups gnomAD compares: South Asian, 0.0011%; no homozygotes.

Submissions (2):

Labcorp Genetics (formerly Invitae), Labcorp
Classification: Likely benign. Last evaluated: 2023-02-21. Review status: criteria provided, single submitter. Criteria: Invitae Variant Classification Sherloc (09022015). Collection method: clinical testing. Allele origin: germline.

ITMI
No classification provided. Condition: AllHighlyPenetrant. Last evaluated: 2013-09-19. Review status: no classification provided. Collection method: reference population. Allele origin: germline. Not counted in ClinVar's aggregate classification.
Comment: Please see associated publication for description of ethnicities

Literature cited by the submitters: PubMed 24728327 (cited by ITMI).

NM_170606.3(KMT2C):c.6197G>A (p.Arg2066Gln)

Gene: KMT2C (lysine methyltransferase 2C; minus strand). Cytogenetic location: 7q36.1.
Variant type: single nucleotide variant.
Coding change: c.6197G>A on transcript NM_170606.3 (MANE Select); coding-DNA position 6197, G replaced by A.
Protein change: p.Arg2066Gln; replaces arginine 2066 with glutamine.
Molecular consequence: missense variant.
Genome position (GRCh38, 1-based): chr7:152,181,663, C>T on the plus strand (G>A on the coding strand, the complement: KMT2C is on the minus strand). VCF-style: chr7-152181663-C-T. GRCh37 (hg19) VCF-style: chr7-151878748-C-T.
Other names: short protein forms R2066Q.
Identifiers: ClinVar variation 134764 (VCV000134764.4), dbSNP rs587778498, ClinGen allele CA160699.